The following is an entry in ClinVar:

ClinVar aggregate classification (germline): Uncertain significance (1 of 4 stars; one submission).

Allele frequency attached by ClinVar (database versions not stated): gnomAD exomes below 0.00001.
gnomAD v4.1: 1 of 1,613,398 alleles (0.000062%); highest among the groups gnomAD compares: African/African-American, 0.0013%; no homozygotes.

Submission:

Labcorp Genetics (formerly Invitae), Labcorp
Classification: Uncertain significance. Last evaluated: 2022-08-08. Review status: criteria provided, single submitter. Criteria: Invitae Variant Classification Sherloc (09022015). Collection method: clinical testing. Allele origin: germline.
Comment: In summary, the available evidence is currently insufficient to determine the role of this variant in disease. Therefore, it has been classified as a Variant of Uncertain Significance. Algorithms developed to predict the effect of missense changes on protein structure and function are either unavailable or do not agree on the potential impact of this missense change (SIFT: "Deleterious"; PolyPhen-2: "Not Available"; Align-GVGD: "Class C0"). This variant has not been reported in the literature in individuals affected with KMT2B-related conditions. This variant is not present in population databases (gnomAD no frequency). This sequence change replaces lysine, which is basic and polar, with isoleucine, which is neutral and non-polar, at codon 313 of the KMT2B protein (p.Lys313Ile).

NM_014727.3(KMT2B):c.938A>T (p.Lys313Ile)

Gene: KMT2B (lysine methyltransferase 2B; plus strand). Cytogenetic location: 19q13.12.
Variant type: single nucleotide variant.
Coding change: c.938A>T on transcript NM_014727.3 (MANE Select); coding-DNA position 938, A replaced by T.
Protein change: p.Lys313Ile; replaces lysine 313 with isoleucine.
Molecular consequence: missense variant.
Genome position (GRCh38, 1-based): chr19:35,720,285, A>T. VCF-style: chr19-35720285-A-T. GRCh37 (hg19) VCF-style: chr19-36211187-A-T.
Other names: short protein forms K313I.
Identifiers: ClinVar variation 1715682 (VCV001715682.5), dbSNP rs2513313233, ClinGen allele CA405382664.